The following is an entry in ClinVar:

GRCh38/hg38 18q11.1-23(chr18:20989762-80209986)x3

Genes: ABHD3 (abhydrolase domain containing 3, phospholipase; minus strand), ACAA2 (acetyl-CoA acyltransferase 2; minus strand), ADNP2 (ADNP homeobox 2; plus strand), ALPK2 (alpha kinase 2; minus strand), ALPK2-AS1 (ALPK2 antisense RNA 1; plus strand) and 1271 more. Cytogenetic location: 18q11.1-23.
Variant type: copy number gain.
Change: copy number 3 (three copies instead of two) of chr18:20,989,762-80,209,986 (59.22 Mb, GRCh38 coordinates, 1-based), cytogenetic band 18q11.1-23.
Identifiers: ClinVar variation 58762 (VCV000058762.3).

ClinVar aggregate classification (germline): Pathogenic (1 of 4 stars; one submission).

Submission:

ISCA Site 6
Classification: Pathogenic. Last evaluated: 2011-08-12. Review status: criteria provided, single submitter. Criteria: Kaminsky et al. (Genet Med. 2011). Collection method: clinical testing. Allele origin: unknown. Affected: yes. Observed: 1 variant allele.
Comment: Copy number variation identified through the course of routine clinical cytogenomic testing in postnatal populations. Clinical assertions have been curated as described in Kaminsky et al. 2011.